The following is an entry in ClinVar:

NM_001379500.1(COL18A1):c.3693+5_3693+25del

Genes: COL18A1 (collagen type XVIII alpha 1 chain; plus strand), SLC19A1 (solute carrier family 19 member 1; minus strand). Cytogenetic location: 21q22.3.
Variant type: Deletion.
Coding change: c.3693+5_3693+25del on transcript NM_001379500.1 (MANE Select); bases 5 to 25 of the intron after coding-DNA position 3693, 21 bases deleted (GTCAGTCCAGTCCTGAGGGCG).
Molecular consequence: intron variant.
Genome position (GRCh38, 1-based): chr21:45,510,266-45,510,286, GTCAGTCCAGTCCTGAGGGCG deleted; deleting any 21 consecutive bases within chr21:45,510,265-45,510,286 gives the same sequence; the c. name uses the placement nearest the transcript's 3' end. VCF-style (leftmost placement, unchanged base first): chr21-45510264-GGGTCAGTCCAGTCCTGAGGGC-G. GRCh37 (hg19) VCF-style: chr21-46930178-GGGTCAGTCCAGTCCTGAGGGC-G.
Other names: c.4938+5_4938+25del (NM_130444.3); c.4233+5_4233+25del (NM_030582.4).
Identifiers: ClinVar variation 1463976 (VCV001463976.6), dbSNP rs2146127875, ClinGen allele CA2573157733.

ClinVar aggregate classification (germline): Uncertain significance (1 of 4 stars; one submission).

Submission:

Labcorp Genetics (formerly Invitae), Labcorp
Classification: Uncertain significance. Last evaluated: 2022-03-02. Review status: criteria provided, single submitter. Criteria: Invitae Variant Classification Sherloc (09022015). Collection method: clinical testing. Allele origin: germline.
Comment: This sequence change falls in intron 40 of the COL18A1 gene. It does not directly change the encoded amino acid sequence of the COL18A1 protein. It affects a nucleotide within the consensus splice site. In summary, the available evidence is currently insufficient to determine the role of this variant in disease. Therefore, it has been classified as a Variant of Uncertain Significance. Variants that disrupt the consensus splice site are a relatively common cause of aberrant splicing (PMID: 17576681, 9536098). Algorithms developed to predict the effect of sequence changes on RNA splicing suggest that this variant may create or strengthen a splice site. This variant has not been reported in the literature in individuals affected with COL18A1-related conditions. This variant is not present in population databases (gnomAD no frequency).

Literature cited by the submitters: PubMed 17576681; PubMed 9536098.